The following is an entry in ClinVar:

ClinVar aggregate classification (germline): Uncertain significance (1 of 4 stars; one submission).

Submission:

Labcorp Genetics (formerly Invitae), Labcorp
Classification: Uncertain significance. Last evaluated: 2022-10-17. Review status: criteria provided, single submitter. Criteria: Invitae Variant Classification Sherloc (09022015). Collection method: clinical testing. Allele origin: germline.
Comment: In summary, the available evidence is currently insufficient to determine the role of this variant in disease. Therefore, it has been classified as a Variant of Uncertain Significance. Advanced modeling of protein sequence and biophysical properties (such as structural, functional, and spatial information, amino acid conservation, physicochemical variation, residue mobility, and thermodynamic stability) performed at Invitae indicates that this missense variant is not expected to disrupt DHX37 protein function. This variant has not been reported in the literature in individuals affected with DHX37-related conditions. This variant is not present in population databases (gnomAD no frequency). This sequence change replaces proline, which is neutral and non-polar, with leucine, which is neutral and non-polar, at codon 608 of the DHX37 protein (p.Pro608Leu).

NM_032656.4(DHX37):c.1823C>T (p.Pro608Leu)

Gene: DHX37 (DEAH-box helicase 37; minus strand). Cytogenetic location: 12q24.31.
Variant type: single nucleotide variant.
Coding change: c.1823C>T on transcript NM_032656.4 (MANE Select); coding-DNA position 1823, C replaced by T.
Protein change: p.Pro608Leu; replaces proline 608 with leucine.
Molecular consequence: missense variant.
Genome position (GRCh38, 1-based): chr12:124,964,616, G>A on the plus strand (C>T on the coding strand, the complement: DHX37 is on the minus strand). VCF-style: chr12-124964616-G-A. GRCh37 (hg19) VCF-style: chr12-125449162-G-A.
Other names: short protein forms P608L.
Identifiers: ClinVar variation 1993291 (VCV001993291.4), dbSNP rs2547122281, ClinGen allele CA387224824.